The following is an entry in ClinVar:

NM_205767.3(MICOS13):c.78C>G (p.Tyr26Ter)

Genes: MICOS13 (mitochondrial contact site and cristae organizing system subunit 13; minus strand), LOC130063256 (ATAC-STARR-seq lymphoblastoid active region 13805; plus strand). Cytogenetic location: 19p13.3.
Variant type: single nucleotide variant.
Coding change: c.78C>G on transcript NM_205767.3 (MANE Select); coding-DNA position 78, C replaced by G.
Protein change: p.Tyr26Ter; replaces tyrosine 26 with a stop codon.
Molecular consequence: nonsense.
Genome position (GRCh38, 1-based): chr19:5,679,715, G>C on the plus strand (C>G on the coding strand, the complement: MICOS13 is on the minus strand). VCF-style: chr19-5679715-G-C. GRCh37 (hg19) VCF-style: chr19-5679726-G-C.
Other names: c.144C>G, p.Tyr48Ter (NM_001308240.2, NM_001365761.2); short protein forms Y48*, Y26*.
Identifiers: ClinVar variation 3703972 (VCV003703972.2).

ClinVar aggregate classification (germline): Pathogenic (1 of 4 stars; one submission).

gnomAD v4.1: 3 of 1,609,508 alleles (0.00019%); highest among the groups gnomAD compares: Non-Finnish European, 0.00017%; no homozygotes.

Submission:

Labcorp Genetics (formerly Invitae), Labcorp
Classification: Pathogenic. Last evaluated: 2026-01-05. Review status: criteria provided, single submitter. Criteria: Invitae Variant Classification Sherloc (09022015). Collection method: clinical testing. Allele origin: germline.
Comment: This sequence change creates a premature translational stop signal (p.Tyr26*) in the C19orf70 gene. It is expected to result in an absent or disrupted protein product. Loss-of-function variants in C19orf70 are known to be pathogenic (PMID: 27485409, 27623147). This variant is not present in population databases (gnomAD no frequency). This variant has not been reported in the literature in individuals affected with C19orf70-related conditions. ClinVar contains an entry for this variant (Variation ID: 3703972). For these reasons, this variant has been classified as Pathogenic.

Literature cited by the submitters: PubMed 27485409; PubMed 27623147.